The following is an entry in ClinVar:

NM_001286555.3(DUSP22):c.584C>T (p.Pro195Leu)

Gene: DUSP22 (dual specificity phosphatase 22; plus strand). Cytogenetic location: 6p25.3.
Variant type: single nucleotide variant.
Coding change: c.584C>T on transcript NM_001286555.3 (MANE Select); coding-DNA position 584, C replaced by T.
Protein change: p.Pro195Leu; replaces proline 195 with leucine.
Molecular consequence: missense variant. On other transcripts: non-coding transcript variant (3), intron variant (1).
Genome position (GRCh38, 1-based): chr6:348,917, C>T. VCF-style: chr6-348917-C-T. GRCh37 (hg19) VCF-style: chr6-348917-C-T.
Other names: c.508+76C>T (NM_020185.6); short protein forms P195L.
Identifiers: ClinVar variation 3042277 (VCV003042277.2), dbSNP rs201957282, ClinGen allele CA3612497.

ClinVar aggregate classification (germline): Likely benign (0 of 4 stars; one submission).

Conditions:
DUSP22-related disorder. Also called: DUSP22-related condition.

Allele frequency attached by ClinVar (database versions not stated): 1000 Genomes Project 0.00280; 1000 Genomes Project 30x 0.00281; gnomAD 0.00380; ExAC 0.00440; gnomAD exomes 0.00486.
gnomAD v4.1: 7,610 of 1,610,170 alleles (0.47%); highest among the groups gnomAD compares: Non-Finnish European, 0.57%; 1 homozygote.

Submission:

PreventionGenetics, part of Exact Sciences
Classification: Likely benign for DUSP22-related condition. Last evaluated: 2020-08-19. Review status: no assertion criteria provided. Collection method: clinical testing. Allele origin: germline.
Comment: This variant is classified as likely benign based on ACMG/AMP sequence variant interpretation guidelines (Richards et al. 2015 PMID: 25741868, with internal and published modifications).